The following is an entry in ClinVar:

ClinVar aggregate classification (germline): Pathogenic (1 of 4 stars; one submission).

Submission:

Labcorp Genetics (formerly Invitae), Labcorp
Classification: Pathogenic. Last evaluated: 2023-11-14. Review status: criteria provided, single submitter. Criteria: Invitae Variant Classification Sherloc (09022015). Collection method: clinical testing. Allele origin: germline.
Comment: This sequence change creates a premature translational stop signal (p.Ser187Trpfs*25) in the OTOA gene. It is expected to result in an absent or disrupted protein product. Loss-of-function variants in OTOA are known to be pathogenic (PMID: 11972037). This variant is not present in population databases (gnomAD no frequency). This variant has not been reported in the literature in individuals affected with OTOA-related conditions. Algorithms developed to predict the effect of sequence changes on RNA splicing suggest that this variant may disrupt the consensus splice site. For these reasons, this variant has been classified as Pathogenic.

Literature cited by the submitters: PubMed 11972037.

NM_144672.4(OTOA):c.556_559dup (p.Ser187fs)

Gene: OTOA (otoancorin). Cytogenetic location: 16p12.2.
Variant type: Duplication.
Coding change: c.556_559dup on transcript NM_144672.4 (MANE Select); coding-DNA positions 556 to 559, 4 bases duplicated.
Protein change: p.Ser187fs; shifts the reading frame from serine 187.
Molecular consequence: frameshift variant.
Genome position: GRCh38 VCF-style: chr16-21687568-G-GGGGT. GRCh37 (hg19) VCF-style: chr16-21698889-G-GGGGT.
Other names: c.319_322dup, p.Ser108fs (NM_001161683.2); short protein forms S108fs, S187fs.
Identifiers: ClinVar variation 2694053 (VCV002694053.3), dbSNP rs2506971268, ClinGen allele CA2697555689.